The following is an entry in ClinVar:

ClinVar aggregate classification (germline): Pathogenic (1 of 4 stars; one submission).

Conditions:
Autosomal recessive polycystic kidney disease (ARPKD). Also called: AR polycystic kidney disease. Identifiers: Orphanet 731, Orphanet 8378, MedGen C0085548, MeSH D017044, MONDO:0009889.

Submission:

Labcorp Genetics (formerly Invitae), Labcorp
Classification: Pathogenic for Autosomal recessive polycystic kidney disease. Last evaluated: 2019-07-26. Review status: criteria provided, single submitter. Criteria: Invitae Variant Classification Sherloc (09022015). Collection method: clinical testing. Allele origin: germline.
Comment: For these reasons, this variant has been classified as Pathogenic. Loss-of-function variants in PKHD1 are known to be pathogenic (PMID: 19940839). This variant has not been reported in the literature in individuals with PKHD1-related conditions. This variant is not present in population databases (ExAC no frequency). This sequence change creates a premature translational stop signal (p.Thr2589Serfs*2) in the PKHD1 gene. It is expected to result in an absent or disrupted protein product.

Literature cited by the submitters: PubMed 19940839.

NM_138694.4(PKHD1):c.7765_7766delinsT (p.Thr2589fs)

Gene: PKHD1 (PKHD1 ciliary IPT domain containing fibrocystin/polyductin; minus strand). Cytogenetic location: 6p12.2.
Variant type: Indel.
Coding change: c.7765_7766delinsT on transcript NM_138694.4 (MANE Select); coding-DNA positions 7765 to 7766, AC replaced by T.
Protein change: p.Thr2589fs; shifts the reading frame from threonine 2589.
Molecular consequence: frameshift variant.
Genome position (GRCh38, 1-based): chr6:51,856,038-51,856,039, GT replaced by A on the plus strand (AC replaced by T on the coding strand, the reverse complement: PKHD1 is on the minus strand). VCF-style: chr6-51856038-GT-A. GRCh37 (hg19) VCF-style: chr6-51720836-GT-A.
Other names: c.7765_7766delinsT, p.Thr2589fs (NM_170724.3); short protein forms T2589fs.
Identifiers: ClinVar variation 965263 (VCV000965263.6), dbSNP rs1773247172, ClinGen allele CA1139659592.
Genomic context (GRCh38, chr6:51,856,038, plus strand): 5'-TTAGACAATGTATCACGTACATAATTGACAGTGGTTGTTTTATTTCTGCTGTCAGTCATG[GT>A]TAAATCATAAGAAACTTCAGGAGTATTCGCTCTAAGGTGATTTTAAAAGGAAAAAAAATG-3'